The following is an entry in ClinVar:

NM_133510.4(RAD51B):c.253A>T (p.Thr85Ser)

Gene: RAD51B (RAD51 paralog B; plus strand). Cytogenetic location: 14q24.1.
Variant type: single nucleotide variant.
Coding change: c.253A>T on transcript NM_133510.4 (MANE Select); coding-DNA position 253, A replaced by T.
Protein change: p.Thr85Ser; replaces threonine 85 with serine.
Molecular consequence: missense variant. On other transcripts: 5 prime UTR variant (1).
Genome position (GRCh38, 1-based): chr14:67,835,134, A>T. VCF-style: chr14-67835134-A-T. GRCh37 (hg19) VCF-style: chr14-68301851-A-T.
Other names: c.253A>T, p.Thr85Ser (NM_001321809.2, NM_001321810.2, NM_001321812.1 and 6 more transcripts); c.139A>T, p.Thr47Ser (NM_001321815.1); c.-203A>T (NM_001321817.2); short protein forms T47S, T85S.
Identifiers: ClinVar variation 3942263 (VCV003942263.1).

ClinVar aggregate classification (germline): Uncertain significance (1 of 4 stars; one submission).

gnomAD v4.1: 2 of 1,614,066 alleles (0.00012%); highest among the groups gnomAD compares: Non-Finnish European, 0.00017%; no homozygotes.

Submission:

Ambry Genetics
Classification: Uncertain significance. Last evaluated: 2025-03-15. Review status: criteria provided, single submitter. Criteria: Ambry Variant Classification Scheme 2023. Collection method: clinical testing. Allele origin: germline.
Comment: The p.T85S variant (also known as c.253A>T), located in coding exon 3 of the RAD51B gene, results from an A to T substitution at nucleotide position 253. The threonine at codon 85 is replaced by serine, an amino acid with similar properties. This amino acid position is conserved. In addition, the in silico prediction for this alteration is inconclusive. Based on the available evidence, the clinical significance of this variant remains unclear.